The following is an entry in ClinVar:

ClinVar aggregate classification (germline): Uncertain significance (1 of 4 stars; one submission).

Allele frequency attached by ClinVar (database versions not stated): gnomAD exomes 0.00001.
gnomAD v4.1: 3 of 1,611,564 alleles (0.00019%); highest among the groups gnomAD compares: Admixed American, 0.005%; no homozygotes.

Submission:

Labcorp Genetics (formerly Invitae), Labcorp
Classification: Uncertain significance. Last evaluated: 2022-12-27. Review status: criteria provided, single submitter. Criteria: Invitae Variant Classification Sherloc (09022015). Collection method: clinical testing. Allele origin: germline.
Comment: In summary, the available evidence is currently insufficient to determine the role of this variant in disease. Therefore, it has been classified as a Variant of Uncertain Significance. Advanced modeling of protein sequence and biophysical properties (such as structural, functional, and spatial information, amino acid conservation, physicochemical variation, residue mobility, and thermodynamic stability) performed at Invitae indicates that this missense variant is not expected to disrupt SPARC protein function. This variant has not been reported in the literature in individuals affected with SPARC-related conditions. This variant is present in population databases (no rsID available, gnomAD 0.003%). This sequence change replaces asparagine, which is neutral and polar, with lysine, which is basic and polar, at codon 88 of the SPARC protein (p.Asn88Lys).

NM_003118.4(SPARC):c.264C>G (p.Asn88Lys)

Gene: SPARC (secreted protein acidic and cysteine rich; minus strand). Cytogenetic location: 5q33.1.
Variant type: single nucleotide variant.
Coding change: c.264C>G on transcript NM_003118.4 (MANE Select); coding-DNA position 264, C replaced by G.
Protein change: p.Asn88Lys; replaces asparagine 88 with lysine.
Molecular consequence: missense variant.
Genome position (GRCh38, 1-based): chr5:151,671,639, G>C on the plus strand (C>G on the coding strand, the complement: SPARC is on the minus strand). VCF-style: chr5-151671639-G-C. GRCh37 (hg19) VCF-style: chr5-151051200-G-C.
Other names: c.261C>G, p.Asn87Lys (NM_001309443.2); c.264C>G, p.Asn88Lys (NM_001309444.2); short protein forms N87K, N88K.
Identifiers: ClinVar variation 2427846 (VCV002427846.6), dbSNP rs1045972585, ClinGen allele CA129964251.
Genomic context (GRCh38, chr5:151,671,639, plus strand): 5'-AAACTCGCCAATGGGGGCTGGGCAGCTGGTGGGGTCCTGGCACACGCACATGGGGGTGTT[G>C]TTCTCATCCAGCTCGCACACCTTGCCGTGTTTGCAGTGGTGGTTCTGGCAGGGATCTGTA-3'
Protein context (NP_003109.1, residues 78-98): KHGKVCELDE[Asn88Lys]NTPMCVCQDP